The following is an entry in ClinVar:

NM_017763.6(RNF43):c.772G>A (p.Glu258Lys)

Gene: RNF43 (ring finger protein 43; minus strand). Cytogenetic location: 17q22.
Variant type: single nucleotide variant.
Coding change: c.772G>A on transcript NM_017763.6 (MANE Select); coding-DNA position 772, G replaced by A.
Protein change: p.Glu258Lys; replaces glutamic acid 258 with lysine.
Molecular consequence: missense variant.
Genome position (GRCh38, 1-based): chr17:58,360,860, C>T on the plus strand (G>A on the coding strand, the complement: RNF43 is on the minus strand). VCF-style: chr17-58360860-C-T. GRCh37 (hg19) VCF-style: chr17-56438221-C-T.
Other names: c.772G>A (NM_017763.4); c.772G>A, p.Glu258Lys (NM_001305544.3); c.391G>A, p.Glu131Lys (NM_001305545.2); short protein forms E131K, E258K.
Identifiers: ClinVar variation 1015897 (VCV001015897.9), dbSNP rs781149233, ClinGen allele CA8673307.

ClinVar aggregate classification (germline): Uncertain significance. Review status: criteria provided, multiple submitters, no conflicts (2 of 4 stars). 2 submissions from 2 submitters: Uncertain significance (2). Last evaluated 2025-11-17.

Allele frequency attached by ClinVar (database versions not stated): ExAC 0.00002; gnomAD exomes 0.00002 and 0.00003.
gnomAD v4.1: 9 of 1,612,726 alleles (0.00056%); highest among the groups gnomAD compares: Admixed American, 0.013%; no homozygotes.

Submissions (2):

Ambry Genetics
Classification: Uncertain significance. Last evaluated: 2025-11-17. Review status: criteria provided, single submitter. Criteria: Ambry Variant Classification Scheme 2023. Collection method: clinical testing. Allele origin: germline.
Comment: The p.E258K variant (also known as c.772G>A), located in coding exon 6 of the RNF43 gene, results from a G to A substitution at nucleotide position 772. The glutamic acid at codon 258 is replaced by lysine, an amino acid with similar properties. This amino acid position is conserved. In addition, this alteration is predicted to be tolerated by in silico analysis. Based on the available evidence, the clinical significance of this variant remains unclear.

Labcorp Genetics (formerly Invitae), Labcorp
Classification: Uncertain significance. Last evaluated: 2022-03-13. Review status: criteria provided, single submitter. Criteria: Invitae Variant Classification Sherloc (09022015). Collection method: clinical testing. Allele origin: germline.
Comment: In summary, the available evidence is currently insufficient to determine the role of this variant in disease. Therefore, it has been classified as a Variant of Uncertain Significance. Algorithms developed to predict the effect of sequence changes on RNA splicing suggest that this variant may create or strengthen a splice site. Algorithms developed to predict the effect of missense changes on protein structure and function output the following: SIFT: "Tolerated"; PolyPhen-2: "Benign"; Align-GVGD: "Class C0". The lysine amino acid residue is found in multiple mammalian species, which suggests that this missense change does not adversely affect protein function. ClinVar contains an entry for this variant (Variation ID: 1015897). This variant has not been reported in the literature in individuals affected with RNF43-related conditions. This variant is present in population databases (rs781149233, gnomAD 0.02%). This sequence change replaces glutamic acid, which is acidic and polar, with lysine, which is basic and polar, at codon 258 of the RNF43 protein (p.Glu258Lys).